The following is an entry in ClinVar:

NM_033056.4(PCDH15):c.4847C>T (p.Thr1616Ile)

Gene: PCDH15 (protocadherin related 15; minus strand). Cytogenetic location: 10q21.1.
Variant type: single nucleotide variant.
Coding change: c.4847C>T on transcript NM_033056.4 (MANE Plus Clinical); coding-DNA position 4847, C replaced by T.
Protein change: p.Thr1616Ile; replaces threonine 1616 with isoleucine.
Molecular consequence: missense variant. On other transcripts: intron variant (8).
Genome position (GRCh38, 1-based): chr10:53,822,879, G>A on the plus strand (C>T on the coding strand, the complement: PCDH15 is on the minus strand). VCF-style: chr10-53822879-G-A. GRCh37 (hg19) VCF-style: chr10-55582639-G-A.
Other names: c.4868C>T, p.Thr1623Ile (NM_001142763.2); c.4853C>T, p.Thr1618Ile (NM_001142764.2); c.4640C>T, p.Thr1547Ile (NM_001142765.2); c.4838C>T, p.Thr1613Ile (NM_001142766.2); c.4727C>T, p.Thr1576Ile (NM_001142767.2); c.4787C>T, p.Thr1596Ile (NM_001142768.2); c.4778C>T, p.Thr1593Ile (NM_001142773.2); c.4781C>T, p.Thr1594Ile (NM_001354404.2); and 6 more; short protein forms T1547I, T1576I, T1593I, T1594I, T1596I, T1613I, T1616I, T1618I.
Identifiers: ClinVar variation 2418619 (VCV002418619.3), dbSNP rs2076392403, ClinGen allele CA376526439.

ClinVar aggregate classification (germline): Uncertain significance (1 of 4 stars; one submission).

Allele frequency attached by ClinVar (database versions not stated): gnomAD 0.00001; TOPMed below 0.00001.
gnomAD v4.1: 1 of 1,613,880 alleles (0.000062%); highest among the groups gnomAD compares: Admixed American, 0.0017%; no homozygotes.

Submission:

Labcorp Genetics (formerly Invitae), Labcorp
Classification: Uncertain significance. Last evaluated: 2022-03-07. Review status: criteria provided, single submitter. Criteria: Invitae Variant Classification Sherloc (09022015). Collection method: clinical testing. Allele origin: germline.
Comment: This sequence change replaces threonine, which is neutral and polar, with isoleucine, which is neutral and non-polar, at codon 1616 of the PCDH15 protein (p.Thr1616Ile). This variant is not present in population databases (gnomAD no frequency). This variant has not been reported in the literature in individuals affected with PCDH15-related conditions. Algorithms developed to predict the effect of missense changes on protein structure and function (SIFT, PolyPhen-2, Align-GVGD) all suggest that this variant is likely to be tolerated. In summary, the available evidence is currently insufficient to determine the role of this variant in disease. Therefore, it has been classified as a Variant of Uncertain Significance.